The following is an entry in ClinVar:

ClinVar aggregate classification (germline): Uncertain significance (1 of 4 stars; one submission).

Conditions:
Charcot-Marie-Tooth disease axonal type 2P. Also called: CHARCOT-MARIE-TOOTH NEUROPATHY, TYPE 2P; Charcot-Marie-Tooth Neuropathy Type 2G; CHARCOT-MARIE-TOOTH DISEASE, AXONAL, TYPE 2G; CMT 2G. Identifiers: Orphanet 300319, Orphanet 99941, MedGen C3280797, MONDO:0013753, OMIM 614436.

Allele frequency attached by ClinVar (database versions not stated): TOPMed 0.00001.

Submission:

Labcorp Genetics (formerly Invitae), Labcorp
Classification: Uncertain significance for Charcot-Marie-Tooth disease axonal type 2P. Last evaluated: 2023-05-19. Review status: criteria provided, single submitter. Criteria: Invitae Variant Classification Sherloc (09022015). Collection method: clinical testing. Allele origin: germline.
Comment: Variants that disrupt the consensus splice site are a relatively common cause of aberrant splicing (PMID: 17576681, 9536098). Algorithms developed to predict the effect of sequence changes on RNA splicing suggest that this variant is not likely to affect RNA splicing. This sequence change falls in intron 21 of the LRSAM1 gene. It does not directly change the encoded amino acid sequence of the LRSAM1 protein. It affects a nucleotide within the consensus splice site. This variant is present in population databases (no rsID available, gnomAD 0.007%). This variant has not been reported in the literature in individuals affected with LRSAM1-related conditions. In summary, the available evidence is currently insufficient to determine the role of this variant in disease. Therefore, it has been classified as a Variant of Uncertain Significance.

Literature cited by the submitters: PubMed 17576681; PubMed 9536098.

NM_001005373.4(LRSAM1):c.1698+6G>A

Gene: LRSAM1 (leucine rich repeat and sterile alpha motif containing 1; plus strand). Cytogenetic location: 9q33.3.
Variant type: single nucleotide variant.
Coding change: c.1698+6G>A on transcript NM_001005373.4 (MANE Select); 6 bases into the intron after coding-DNA position 1698, G replaced by A.
Molecular consequence: intron variant.
Genome position (GRCh38, 1-based): chr9:127,495,424, G>A. VCF-style: chr9-127495424-G-A. GRCh37 (hg19) VCF-style: chr9-130257703-G-A.
Other names: c.1698+6G>A (NM_138361.5, NM_001384142.1, NM_001005374.4); c.1600-540G>A (NM_001384143.1); c.1617+6G>A (NM_001190723.3); c.909+6G>A (NM_001384144.1).
Identifiers: ClinVar variation 2895457 (VCV002895457.3), dbSNP rs1167890348, ClinGen allele CA590594623.
Genomic context (GRCh38, chr9:127,495,424, plus strand): 5'-GCTGATTCAGTATCAACGGCTTTTGAACCAGAAGCCCTTGTCCTTGAAGCTGCAAGTAAG[G>A]ACTGCTGGTGCCTGTCCCGGCCAGGGAGCCCTGGGGACCTCCTCCCAGAGGCGCCTGTGG-3'